The following is an entry in ClinVar:

NM_001035.3(RYR2):c.6310A>C (p.Lys2104Gln)

Gene: RYR2 (ryanodine receptor 2; plus strand). Cytogenetic location: 1q43.
Variant type: single nucleotide variant.
Coding change: c.6310A>C on transcript NM_001035.3 (MANE Select); coding-DNA position 6310, A replaced by C.
Protein change: p.Lys2104Gln; replaces lysine 2104 with glutamine.
Molecular consequence: missense variant.
Genome position (GRCh38, 1-based): chr1:237,627,950, A>C. VCF-style: chr1-237627950-A-C. GRCh37 (hg19) VCF-style: chr1-237791250-A-C.
Other names: short protein forms K2104Q.
Identifiers: ClinVar variation 1474245 (VCV001474245.7), dbSNP rs2148667245, ClinGen allele CA345411181.
Genomic context (GRCh38, chr1:237,627,950, plus strand): 5'-ATGTTTGTGTTGCTCCATCGGCAGTATGACGGCATTGGGGGTCTTGTTCGGGCCCTGCCA[A>C]AGACCTACACGATAAATGGTGTGTCCGTGGAGGACACCATCAACCTGCTGGCATCCCTTG-3'
Protein context (NP_001026.2, residues 2094-2114): GIGGLVRALP[Lys2104Gln]TYTINGVSVE

ClinVar aggregate classification (germline): Uncertain significance (1 of 4 stars; one submission).

Conditions:
Catecholaminergic polymorphic ventricular tachycardia 1. Also called: VENTRICULAR TACHYCARDIA, CATECHOLAMINERGIC POLYMORPHIC, 1, WITH OR WITHOUT ATRIAL DYSFUNCTION AND/OR DILATED CARDIOMYOPATHY; RYR2-Related Catecholaminergic Polymorphic Ventricular Tachycardia; VENTRICULAR TACHYCARDIA, STRESS-INDUCED POLYMORPHIC 1. Identifiers: Orphanet 3286, MedGen C1631597, MONDO:0011484, OMIM 604772.

Submission:

Labcorp Genetics (formerly Invitae), Labcorp
Classification: Uncertain significance for Catecholaminergic polymorphic ventricular tachycardia 1. Last evaluated: 2021-07-31. Review status: criteria provided, single submitter. Criteria: Invitae Variant Classification Sherloc (09022015). Collection method: clinical testing. Allele origin: germline.
Comment: This sequence change replaces lysine with glutamine at codon 2104 of the RYR2 protein (p.Lys2104Gln). The lysine residue is highly conserved and there is a small physicochemical difference between lysine and glutamine. In summary, the available evidence is currently insufficient to determine the role of this variant in disease. Therefore, it has been classified as a Variant of Uncertain Significance. Algorithms developed to predict the effect of sequence changes on RNA splicing suggest that this variant may create or strengthen a splice site. Advanced modeling of protein sequence and biophysical properties (such as structural, functional, and spatial information, amino acid conservation, physicochemical variation, residue mobility, and thermodynamic stability) performed at Invitae indicates that this missense variant is expected to disrupt RYR2 protein function. This variant has not been reported in the literature in individuals affected with RYR2-related conditions. This variant is not present in population databases (ExAC no frequency).